The following is an entry in ClinVar:

ClinVar aggregate classification (germline): Uncertain significance (1 of 4 stars; one submission).

Conditions:
Hypertrophic cardiomyopathy. Also called: HYPERTROPHIC MYOCARDIOPATHY. Identifiers: Orphanet 217569, MedGen C0007194, MeSH D002312, MONDO:0005045, HP:0001639.

Submission:

Labcorp Genetics (formerly Invitae), Labcorp
Classification: Uncertain significance for Hypertrophic cardiomyopathy. Last evaluated: 2024-08-11. Review status: criteria provided, single submitter. Criteria: Invitae Variant Classification Sherloc (09022015). Collection method: clinical testing. Allele origin: germline.
Comment: This sequence change replaces arginine, which is basic and polar, with proline, which is neutral and non-polar, at codon 23 of the MYOM1 protein (p.Arg23Pro). This variant is not present in population databases (gnomAD no frequency). This variant has not been reported in the literature in individuals affected with MYOM1-related conditions. An algorithm developed to predict the effect of missense changes on protein structure and function (PolyPhen-2) suggests that this variant is likely to be tolerated. In summary, the available evidence is currently insufficient to determine the role of this variant in disease. Therefore, it has been classified as a Variant of Uncertain Significance.

NM_003803.4(MYOM1):c.68G>C (p.Arg23Pro)

Gene: MYOM1 (myomesin 1; minus strand). Cytogenetic location: 18p11.31.
Variant type: single nucleotide variant.
Coding change: c.68G>C on transcript NM_003803.4 (MANE Select); coding-DNA position 68, G replaced by C.
Protein change: p.Arg23Pro; replaces arginine 23 with proline.
Molecular consequence: missense variant.
Genome position (GRCh38, 1-based): chr18:3,215,156, C>G on the plus strand (G>C on the coding strand, the complement: MYOM1 is on the minus strand). VCF-style: chr18-3215156-C-G. GRCh37 (hg19) VCF-style: chr18-3215154-C-G.
Other names: c.68G>C, p.Arg23Pro (NM_019856.2); short protein forms R23P.
Identifiers: ClinVar variation 3621447 (VCV003621447.2).